The following is an entry in ClinVar:

ClinVar aggregate classification (germline): Uncertain significance (1 of 4 stars; one submission).

Allele frequency attached by ClinVar (database versions not stated): gnomAD exomes below 0.00001.
gnomAD v4.1: 2 of 1,612,484 alleles (0.00012%); highest among the groups gnomAD compares: Non-Finnish European, 0.00017%; no homozygotes.

Submission:

Labcorp Genetics (formerly Invitae), Labcorp
Classification: Uncertain significance. Last evaluated: 2024-02-22. Review status: criteria provided, single submitter. Criteria: Invitae Variant Classification Sherloc (09022015). Collection method: clinical testing. Allele origin: germline.
Comment: This sequence change replaces asparagine, which is neutral and polar, with lysine, which is basic and polar, at codon 659 of the KL protein (p.Asn659Lys). This variant is not present in population databases (gnomAD no frequency). This variant has not been reported in the literature in individuals affected with KL-related conditions. Advanced modeling of protein sequence and biophysical properties (such as structural, functional, and spatial information, amino acid conservation, physicochemical variation, residue mobility, and thermodynamic stability) has been performed at Invitae for this missense variant, however the output from this modeling did not meet the statistical confidence thresholds required to predict the impact of this variant on KL protein function. In summary, the available evidence is currently insufficient to determine the role of this variant in disease. Therefore, it has been classified as a Variant of Uncertain Significance.

NM_004795.4(KL):c.1977C>A (p.Asn659Lys)

Gene: KL (klotho; plus strand). Cytogenetic location: 13q13.1.
Variant type: single nucleotide variant.
Coding change: c.1977C>A on transcript NM_004795.4 (MANE Select); coding-DNA position 1977, C replaced by A.
Protein change: p.Asn659Lys; replaces asparagine 659 with lysine.
Molecular consequence: missense variant.
Genome position (GRCh38, 1-based): chr13:33,061,056, C>A. VCF-style: chr13-33061056-C-A. GRCh37 (hg19) VCF-style: chr13-33635193-C-A.
Other names: short protein forms N659K.
Identifiers: ClinVar variation 2784316 (VCV002784316.3), dbSNP rs2501790182, ClinGen allele CA387795390.